The following is an entry in ClinVar:

NM_001353694.2(TIAM1):c.4306+20G>A

Gene: TIAM1 (TIAM Rac1 associated GEF 1; minus strand). Cytogenetic location: 21q22.11.
Variant type: single nucleotide variant.
Coding change: c.4306+20G>A on transcript NM_001353694.2 (MANE Select); 20 bases into the intron after coding-DNA position 4306, G replaced by A.
Molecular consequence: intron variant.
Genome position (GRCh38, 1-based): chr21:31,124,502, C>T on the plus strand (G>A on the coding strand, the complement: TIAM1 is on the minus strand). VCF-style: chr21-31124502-C-T. GRCh37 (hg19) VCF-style: chr21-32496820-C-T.
Other names: c.4306+20G>A (NM_001353690.1, NM_003253.3, NM_001353688.1 and 4 more transcripts); c.4231+20G>A (NM_001353687.2, NM_001353686.2); c.1330+20G>A (NM_001353685.2); c.1405+20G>A (NM_001353684.2).
Identifiers: ClinVar variation 2652582 (VCV002652582.24), dbSNP rs148777323, ClinGen allele CA9997531.

ClinVar aggregate classification (germline): Benign (1 of 4 stars; one submission).

Allele frequency attached by ClinVar (database versions not stated): ESP Exome Variant Server 0.00531; gnomAD 0.00594; TOPMed 0.00694; ExAC 0.00764; 1000 Genomes Project 30x 0.00375; 1000 Genomes Project 0.00439.
gnomAD v4.1: 11,845 of 1,610,848 alleles (0.74%); highest among the groups gnomAD compares: Middle Eastern, 2.8%; 82 homozygotes.

Submission:

CeGaT Center for Human Genetics Tuebingen
Classification: Benign. Last evaluated: 2026-09-01. Review status: criteria provided, single submitter. Criteria: CeGaT Center For Human Genetics Tuebingen Variant Classification Criteria Version 2. Collection method: clinical testing. Allele origin: germline. Affected: yes. Observed: 26 variant alleles.
Comment: TIAM1: BP4, BP7, BS1, BS2